The following is an entry in ClinVar:

NM_014285.7(EXOSC2):c.777_779del (p.Tyr260del)

Gene: EXOSC2 (exosome component 2; plus strand). Cytogenetic location: 9q34.12.
Variant type: Deletion.
Coding change: c.777_779del on transcript NM_014285.7 (MANE Select); coding-DNA positions 777 to 779, 3 bases deleted (CTA; older notation c.777_779delCTA).
Protein change: p.Tyr260del; deletes tyrosine 260.
Molecular consequence: inframe deletion. On other transcripts: non-coding transcript variant (1).
Genome position (GRCh38, 1-based): chr9:130,703,157-130,703,159, CTA deleted. VCF-style (leftmost placement, unchanged base first): chr9-130703156-GCTA-G. GRCh37 (hg19) VCF-style: chr9-133578543-GCTA-G.
Other names: c.699_701del, p.Tyr234del (NM_001282708.1); c.687_689del, p.Tyr230del (NM_001282709.1); short protein forms Y230del, Y260del, Y234del.
Identifiers: ClinVar variation 2017097 (VCV002017097.4), dbSNP rs2490804386, ClinGen allele CA2580079799.

ClinVar aggregate classification (germline): Uncertain significance (1 of 4 stars; one submission).

Submission:

Labcorp Genetics (formerly Invitae), Labcorp
Classification: Uncertain significance. Last evaluated: 2022-07-27. Review status: criteria provided, single submitter. Criteria: Invitae Variant Classification Sherloc (09022015). Collection method: clinical testing. Allele origin: germline.
Comment: This variant, c.777_779del, results in the deletion of 1 amino acid(s) of the EXOSC2 protein (p.Tyr260del), but otherwise preserves the integrity of the reading frame. In summary, the available evidence is currently insufficient to determine the role of this variant in disease. Therefore, it has been classified as a Variant of Uncertain Significance. Experimental studies and prediction algorithms are not available or were not evaluated, and the functional significance of this variant is currently unknown. This variant has not been reported in the literature in individuals affected with EXOSC2-related conditions. This variant is not present in population databases (gnomAD no frequency).